The following is an entry in ClinVar:

ClinVar aggregate classification (germline): Pathogenic/Likely pathogenic. Review status: criteria provided, multiple submitters, no conflicts (2 of 4 stars). 14 submissions from 13 submitters: Pathogenic (9); Likely pathogenic (3). 2 of the submissions do not count toward it. Last evaluated 2025-06-13.

Conditions:
F8-related disorders.
Thrombophilia, X-linked, due to factor 8 defect. Also called: THROMBOPHILIA, X-LINKED, DUE TO FACTOR VIII DEFECT; Thrombophilia 13, X-linked, due to factor VIII defect. Identifiers: MedGen C5676879, MONDO:0859082, OMIM 301071.
Hereditary factor VIII deficiency disease (HEMA). Also called: AUTOSOMAL HEMOPHILIA A; Hemophilia A, congenital; HEM A; Factor 8 deficiency, congenital; Hemophilia A; HEMOPHILIA, CLASSIC. Identifiers: Orphanet 98878, MedGen C0019069, MONDO:0010602, OMIM 306700.
Hereditary factor IX deficiency disease (HEMB). Also called: F9 DEFICIENCY; FACTOR IX DEFICIENCY; PLASMA THROMBOPLASTIN COMPONENT DEFICIENCY; Hemophilia B; Christmas Disease. Identifiers: Orphanet 98879, MedGen C0008533, MeSH D002836, MONDO:0010604, OMIM 306900.
Abnormality of coagulation. Identifiers: MedGen C1846821, HP:0001928.

Allele frequency attached by ClinVar (database versions not stated): gnomAD exomes 0.00001 and 0.00002; TOPMed 0.00008.

Submissions (14):

GeneDx
Classification: Pathogenic. Last evaluated: 2025-06-13. Review status: criteria provided, single submitter. Criteria: GeneDx Variant Classification Process June 2021. Collection method: clinical testing. Allele origin: germline. Affected: yes.
Comment: Also known as p.(R698W); In silico analysis supports that this missense variant has a deleterious effect on protein structure/function; This variant is associated with the following publications: (PMID: 19473423, 8759905, 29388750, 23812942, 15810915, 29296726, 31064749, 10404764, 36007526, 1301932, 18691168)

Mayo Clinic Laboratories, Mayo Clinic
Classification: Pathogenic. Last evaluated: 2025-05-22. Review status: criteria provided, single submitter. Criteria: ACMG Guidelines, 2015. Collection method: clinical testing. Allele origin: germline. Observed: 1 variant allele.
Comment: PP3_moderate, PM5_supporting, PS4_very_strong

Victorian Clinical Genetics Services, Murdoch Childrens Research Institute
Classification: Pathogenic for Hereditary factor VIII deficiency disease. Last evaluated: 2024-10-09. Review status: criteria provided, single submitter. Criteria: ACMG Guidelines, 2015. Collection method: clinical testing. Allele origin: germline. Inheritance: X-linked recessive inheritance. Affected: yes.
Comment: Based on the classification scheme VCGS_Germline_v1.3.4, this variant is classified as Pathogenic. Following criteria are met: 0103 - Loss of function and gain of function are known mechanisms of disease in this gene. Loss of function is associated with haemophilia A (MIM#306700), whereas gain of function due to copy number variations is associated with thrombophilia 13, X-linked, due to factor VIII defect (MIM#301071) (PMIDs: 23403259, 33275657). (I) 0108 - This gene is associated with both recessive and dominant disease. X-linked recessive inheritance is associated with haemophilia A (MIM#306700), whereas thrombophilia 13, X-linked, due to factor VIII defect (MIM#301071) has been reported with X-linked dominant inheritance (OMIM, PMID: 33275657). (I) 0200 - Variant is predicted to result in a missense amino acid change from arginine to tryptophan. (I) 0253 - This variant is hemizygous. (I) 0304 - Variant is present in gnomAD <0.01 for a recessive condition (v2: 1 heterozygotes, 0 homozygotes, 2 hemizygotes). (SP) 0309 - An alternative amino acid change at the same position has been observed in gnomAD (v3) (4 heterozygotes, 0 homozygotes, 1 hemizygote). (I) 0501 - Missense variant consistently predicted to be damaging by multiple in silico tools and highly conserved with a major amino acid change. (SP) 0600 - Variant is located in the annotated plastocyanin-like 4 and F5/8 type A 2 domains (UniProt). (I) 0701 - Other missense variants comparable to the one identified in this case have very strong previous evidence for pathogenicity. Two alternative changes, p.(Arg717Gln) and p.(Arg717Leu) have been reported as likely pathogenic/pathogenic by multiple clinical testing laboratories (ClinVar). They have also been reported in multiple affected individuals (EAHAD F8 database). (SP) 0801 - This variant has strong previous evidence of pathogenicity in unrelated individuals. It has been reported as likely pathogenic/pathogenic by multiple clinical testing laboratories (ClinVar). It has also been reported in many individuals with mild haemophilia A (EAHAD F8 database, PMID: 18691168). (I) Legend: (SP) - Supporting pathogenic, (I) - Information, (SB) - Supporting benign

CeGaT Center for Human Genetics Tuebingen
Classification: Likely pathogenic. Last evaluated: 2024-06-01. Review status: criteria provided, single submitter. Criteria: CeGaT Center For Human Genetics Tuebingen Variant Classification Criteria Version 2. Collection method: clinical testing. Allele origin: germline. Affected: yes. Observed: 1 variant allele.
Comment: F8: PM1, PM2, PM5, PS4:Moderate

Women's Health and Genetics/Laboratory Corporation of America, LabCorp
Classification: Pathogenic for Hereditary factor VIII deficiency disease. Last evaluated: 2023-11-07. Review status: criteria provided, single submitter. Criteria: LabCorp Variant Classification Summary - May 2015. Collection method: clinical testing. Allele origin: germline.
Comment: Variant summary: F8 c.2149C>T (p.Arg717Trp) results in a non-conservative amino acid change in the encoded protein sequence. Five of five in-silico tools predict a damaging effect of the variant on protein function. The variant allele was found at a frequency of 1.7e-05 in 181533 control chromosomes (gnomAD). c.2149C>T (also known as Arg698Trp) has been reported in the literature in multiple individuals affected with Factor VIII Deficiency (Hemophilia A) (examples: Gilmore_2010, Downes_2019). These data indicate that the variant is very likely to be associated with disease. In addition, other missense variants at the same codon, R717L and R717Q, has been classified as pathogenic in ClinVar, indicating the arginine residue is critical for F8 protein function. The following publications have been ascertained in the context of this evaluation (PMID: 20148980, 31064749). Seven submitters have cited clinical-significance assessments for this variant to ClinVar after 2014. All submitters classified the variant as pathogenic/likely pathogenic. Based on the evidence outlined above, the variant was classified as pathogenic.

ARUP Laboratories, Molecular Genetics and Genomics, ARUP Laboratories
Classification: Pathogenic. Last evaluated: 2023-04-17. Review status: criteria provided, single submitter. Criteria: ARUP Molecular Germline Variant Investigation Process 2024. Collection method: clinical testing. Allele origin: germline.
Comment: The F8 c.2149C>T; p.Arg717Trp variant (rs137852435), also known as Arg698Trp for legacy nomenclature, is reported in several patients diagnosed with mild hemophilia A (Diamond 1992, Gebhart 2018, Rudzki 1996, see Factor VIII variant database and references therein). This variant is reported in ClinVar (Variation ID: 10245) and is found in the general population with a low overall allele frequency of 0.001% (2/176848 alleles, including 1 hemizygote) in the Genome Aggregation Database. The arginine at codon 717 is highly conserved, and computational analyses predict that this variant is deleterious (REVEL: 0.916). Based on available information, this variant is considered to be pathogenic. References: Link to Factor VIII variant database: Diamond C et al. Amino acid substitutions in conserved domains of factor VIII and related proteins: study of patients with mild and moderately severe hemophilia A. Hum Mutat. 1992; 1(3):248-57. PMID: 1301932. Gebhart J et al. High proportion of patients with bleeding of unknown cause in persons with a mild-to-moderate bleeding tendency: Results from the Vienna Bleeding Biobank (VIBB). Haemophilia. 2018 May;24(3):405-413. PMID: 29388750. Rudzki Z et al. Mutations in a subgroup of patients with mild haemophilia A and a familial discrepancy between the one-stage and two-stage factor VIII:C methods. Br J Haematol. 1996; 94(2):400-6. PMID: 8759905.

Mendelics
Classification: Pathogenic for Thrombophilia, X-linked, due to factor 8 defect. Last evaluated: 2022-05-04. Review status: criteria provided, single submitter. Criteria: Mendelics Assertion Criteria 2019. Collection method: clinical testing. Allele origin: germline.

Fulgent Genetics
Classification: Pathogenic for Thrombophilia, X-linked, due to factor 8 defect; Hereditary factor VIII deficiency disease. Last evaluated: 2022-03-29. Review status: criteria provided, single submitter. Criteria: ACMG Guidelines, 2015. Collection method: clinical testing. Allele origin: unknown.

Genetics and Molecular Pathology, SA Pathology
Classification: Likely pathogenic for Hereditary factor VIII deficiency disease. Last evaluated: 2019-12-13. Review status: criteria provided, single submitter. Criteria: ACMG Guidelines, 2015. Collection method: clinical testing. Allele origin: germline. Inheritance: X-linked recessive inheritance. Affected: yes.

Blueprint Genetics
Classification: Pathogenic for F8-related disorders. Last evaluated: 2019-10-18. Review status: criteria provided, single submitter. Criteria: ACMG Guidelines, 2015. Collection method: clinical testing. Allele origin: germline. Affected: yes. Observed: 1 variant allele.

NIHR Bioresource Rare Diseases, University of Cambridge
Classification: Pathogenic for Hereditary factor IX deficiency disease. Last evaluated: 2019-02-01. Review status: criteria provided, single submitter. Criteria: ACMG Guidelines, 2015. Collection method: research. Allele origin: unknown. Affected: yes. Observed: 2 hemizygotes. Study: ThromboGenomics.

NIHR Bioresource Rare Diseases, University of Cambridge
Classification: Likely pathogenic for Abnormality of coagulation. Last evaluated: 2019-02-01. Review status: criteria provided, single submitter. Criteria: ACMG Guidelines, 2015. Collection method: research. Allele origin: unknown. Affected: yes. Observed: 3 hemizygotes. Study: ThromboGenomics.

OMIM
Classification: Pathogenic for HEMOPHILIA A. Last evaluated: 1992-01-01. Review status: no assertion criteria provided. Collection method: literature only. Allele origin: germline. Not counted in ClinVar's aggregate classification.

Genomic Medicine Center of Excellence, King Faisal Specialist Hospital and Research Centre
Classification: Uncertain significance for Hereditary factor VIII deficiency disease. Last evaluated: 2024-04-04. Review status: flagged submission. Criteria: ACMG Guidelines, 2015. Collection method: clinical testing. Allele origin: germline. Not counted in ClinVar's aggregate classification.
ClinVar note: Reason: Outlier claim with insufficient supporting evidence

Literature cited by the submitters: PubMed 15810915 (cited by Mayo Clinic Laboratories, Mayo Clinic); PubMed 17222201 (cited by Mayo Clinic Laboratories, Mayo Clinic); PubMed 18691168 (cited by Mayo Clinic Laboratories, Mayo Clinic and Victorian Clinical Genetics Services, Murdoch Childrens Research Institute); PubMed 21645224 (cited by Mayo Clinic Laboratories, Mayo Clinic); PubMed 29296726 (cited by Mayo Clinic Laboratories, Mayo Clinic); PubMed 36696222 (cited by Mayo Clinic Laboratories, Mayo Clinic); PubMed 8759905 (cited by Mayo Clinic Laboratories, Mayo Clinic); PubMed 23403259 (cited by Victorian Clinical Genetics Services, Murdoch Childrens Research Institute); PubMed 32166871 (cited by Victorian Clinical Genetics Services, Murdoch Childrens Research Institute); PubMed 33275657 (cited by Victorian Clinical Genetics Services, Murdoch Childrens Research Institute); PubMed 31064749 (cited by Women's Health and Genetics/Laboratory Corporation of America, LabCorp and NIHR Bioresource Rare Diseases, University of Cambridge); PubMed 20148980 (cited by Women's Health and Genetics/Laboratory Corporation of America, LabCorp); PubMed 1301932 (cited by OMIM).

NM_000132.4(F8):c.2149C>T (p.Arg717Trp)

Gene: F8 (coagulation factor VIII; minus strand). Cytogenetic location: Xq28.
Variant type: single nucleotide variant.
Coding change: c.2149C>T on transcript NM_000132.4 (MANE Select); coding-DNA position 2149, C replaced by T.
Protein change: p.Arg717Trp; replaces arginine 717 with tryptophan.
Molecular consequence: missense variant.
Genome position (GRCh38, 1-based): chrX:154,931,641, G>A on the plus strand (C>T on the coding strand, the complement: F8 is on the minus strand). VCF-style: chrX-154931641-G-A. GRCh37 (hg19) VCF-style: chrX-154159916-G-A.
Other names: F8, ARG698TRP; R698W; short protein forms R717W.
Identifiers: ClinVar variation 10245 (VCV000010245.42), dbSNP rs137852435, ClinGen allele CA255137.
Genomic context (GRCh38, chrX:154,931,641, plus strand): 5'-AATCACCAGTGTTCTTGTCACAACTAGAAACCTTCAGTAAGGCGGTCATGCCTCTGTTCC[G>A]AAAGTCTGAGTTGTGGCACCCCAGAATCCATAGACCTGGAGATGAGGAAGAATAAGACTC-3'
Protein context (NP_000123.1, residues 707-727): WILGCHNSDF[Arg717Trp]NRGMTALLKV